The following is an entry in ClinVar:

NM_001145809.2(MYH14):c.2302A>G (p.Ile768Val)

Gene: MYH14 (myosin heavy chain 14; plus strand). Cytogenetic location: 19q13.33.
Variant type: single nucleotide variant.
Coding change: c.2302A>G on transcript NM_001145809.2 (MANE Select); coding-DNA position 2302, A replaced by G.
Protein change: p.Ile768Val; replaces isoleucine 768 with valine.
Molecular consequence: missense variant.
Genome position (GRCh38, 1-based): chr19:50,259,213, A>G. VCF-style: chr19-50259213-A-G. GRCh37 (hg19) VCF-style: chr19-50762470-A-G.
Other names: c.2203A>G, p.Ile735Val (NM_001077186.2); c.2179A>G, p.Ile727Val (NM_024729.4); short protein forms I727V, I735V, I768V.
Identifiers: ClinVar variation 2176616 (VCV002176616.4), dbSNP rs2514381973, ClinGen allele CA406944929.
Genomic context (GRCh38, chr19:50,259,213, plus strand): 5'-CTGGAGCCACGGCTGGTGCTGGACCAGCTTCGCTGCAACGGGGTCCTGGAGGGCATCCGC[A>G]TCTGTCGCCAGGGCTTCCCCAACCGCATCCTCTTCCAGGAGTTCCGGCAGCGGTGAGCTA-3'
Protein context (NP_001139281.1, residues 758-778): RCNGVLEGIR[Ile768Val]CRQGFPNRIL

ClinVar aggregate classification (germline): Uncertain significance (1 of 4 stars; one submission).

Allele frequency attached by ClinVar (database versions not stated): gnomAD exomes 0.00001.
gnomAD v4.1: 10 of 1,586,956 alleles (0.00063%); highest among the groups gnomAD compares: South Asian, 0.0011%; no homozygotes.

Submission:

Labcorp Genetics (formerly Invitae), Labcorp
Classification: Uncertain significance. Last evaluated: 2023-04-24. Review status: criteria provided, single submitter. Criteria: Invitae Variant Classification Sherloc (09022015). Collection method: clinical testing. Allele origin: germline.
Comment: In summary, the available evidence is currently insufficient to determine the role of this variant in disease. Therefore, it has been classified as a Variant of Uncertain Significance. Advanced modeling of protein sequence and biophysical properties (such as structural, functional, and spatial information, amino acid conservation, physicochemical variation, residue mobility, and thermodynamic stability) performed at Invitae indicates that this missense variant is expected to disrupt MYH14 protein function. ClinVar contains an entry for this variant (Variation ID: 2176616). This variant has not been reported in the literature in individuals affected with MYH14-related conditions. This variant is not present in population databases (gnomAD no frequency). This sequence change replaces isoleucine, which is neutral and non-polar, with valine, which is neutral and non-polar, at codon 727 of the MYH14 protein (p.Ile727Val).